The following is an entry in ClinVar:

NM_000138.5(FBN1):c.4506T>A (p.Cys1502Ter)

Gene: FBN1 (fibrillin 1; minus strand). Cytogenetic location: 15q21.1.
Variant type: single nucleotide variant.
Coding change: c.4506T>A on transcript NM_000138.5 (MANE Select); coding-DNA position 4506, T replaced by A.
Protein change: p.Cys1502Ter; replaces cysteine 1502 with a stop codon.
Molecular consequence: nonsense.
Genome position (GRCh38, 1-based): chr15:48,468,488, A>T on the plus strand (T>A on the coding strand, the complement: FBN1 is on the minus strand). VCF-style: chr15-48468488-A-T. GRCh37 (hg19) VCF-style: chr15-48760685-A-T.
Other names: c.4506T>A, p.Cys1502Ter (NM_001406716.1); short protein forms C1502*.
Identifiers: ClinVar variation 2942999 (VCV002942999.3), dbSNP rs2505503296, ClinGen allele CA392353631.

ClinVar aggregate classification (germline): Pathogenic (1 of 4 stars; one submission).

Conditions:
Marfan syndrome (MFS). Also called: MARFAN SYNDROME, TYPE I; Marfan syndrome type 1; Marfan's syndrome; Marfan syndrome, classic; FBN1-Related Marfan Syndrome. Identifiers: Orphanet 284963, Orphanet 558, MedGen C0024796, MONDO:0007947, OMIM 154700.
Familial thoracic aortic aneurysm and aortic dissection (TAAD). Also called: Thoracic aortic aneurysms and dissections. Identifiers: Orphanet 91387, MedGen C4707243, MONDO:0019625.

Submission:

Labcorp Genetics (formerly Invitae), Labcorp
Classification: Pathogenic for Marfan syndrome; Familial thoracic aortic aneurysm and aortic dissection. Last evaluated: 2023-01-07. Review status: criteria provided, single submitter. Criteria: Invitae Variant Classification Sherloc (09022015). Collection method: clinical testing. Allele origin: germline.
Comment: This sequence change creates a premature translational stop signal (p.Cys1502*) in the FBN1 gene. It is expected to result in an absent or disrupted protein product. Loss-of-function variants in FBN1 are known to be pathogenic (PMID: 17657824, 19293843). This variant is not present in population databases (gnomAD no frequency). This variant has not been reported in the literature in individuals affected with FBN1-related conditions. For these reasons, this variant has been classified as Pathogenic.

Literature cited by the submitters: PubMed 17657824; PubMed 19293843.